The following is an entry in ClinVar:

NM_018196.4(TMLHE):c.961_962del (p.Ile321fs)

Gene: TMLHE (trimethyllysine hydroxylase, epsilon; minus strand). Cytogenetic location: Xq28.
Variant type: Microsatellite.
Coding change: c.961_962del on transcript NM_018196.4 (MANE Select); coding-DNA positions 961 to 962, 2 bases deleted (AT; older notation c.961_962delAT).
Protein change: p.Ile321fs; shifts the reading frame from isoleucine 321.
Molecular consequence: frameshift variant.
Genome position (GRCh38, 1-based): chrX:155,506,931-155,506,932, AT deleted on the plus strand (AT on the coding strand, the reverse complement: TMLHE is on the minus strand); deleting any 2 consecutive bases within chrX:155,506,931-155,506,934 gives the same sequence; the c. name uses the placement nearest the transcript's 3' end. VCF-style (leftmost placement, unchanged base first): chrX-155506930-GAT-G. GRCh37 (hg19) VCF-style: chrX-154736591-GAT-G.
Other names: c.961_962del, p.Ile321fs (NM_001184797.2); short protein forms I321fs.
Identifiers: ClinVar variation 225231 (VCV000225231.4), dbSNP rs782624357, ClinGen allele CA358806.

ClinVar aggregate classification (germline): Pathogenic. Review status: criteria provided, multiple submitters, no conflicts (2 of 4 stars). 3 submissions from 3 submitters: Pathogenic (2). 1 of the submissions does not count toward it. Last evaluated 2022-05-04.

Conditions:
Epsilon-trimethyllysine hydroxylase deficiency. Also called: Autism, susceptibility to, X-linked 6. Identifiers: MedGen C3550875, MONDO:0010469, OMIM 300872.

Submissions (3):

Mendelics
Classification: Pathogenic for Epsilon-trimethyllysine hydroxylase deficiency. Last evaluated: 2022-05-04. Review status: criteria provided, single submitter. Criteria: Mendelics Assertion Criteria 2019. Collection method: clinical testing. Allele origin: germline.

Baylor Genetics
Classification: Pathogenic for Epsilon-trimethyllysine hydroxylase deficiency. Last evaluated: 2017-09-01. Review status: criteria provided, single submitter. Criteria: ACMG Guidelines, 2015. Collection method: clinical testing. Allele origin: maternal. Inheritance: X-linked inheritance. Affected: yes.

OMIM
Classification: risk factor for AUTISM, SUSCEPTIBILITY TO, X-LINKED 6. Last evaluated: 2016-07-27. Review status: no assertion criteria provided. Collection method: literature only. Allele origin: germline. Not counted in ClinVar's aggregate classification.

Literature cited by the submitters: PubMed 25943046 (cited by Baylor Genetics and OMIM); PubMed 25326635 (cited by Baylor Genetics).